The following is an entry in ClinVar:

ClinVar aggregate classification (germline): Conflicting classifications of pathogenicity. Review status: criteria provided, conflicting classifications (1 of 4 stars). 6 submissions from 6 submitters: Uncertain significance (1); Benign (1); Likely benign (2). 2 of the submissions do not count toward it. Last evaluated 2026-02-04.

Conditions:
CYP27A1-related disorder. Also called: CYP27A1-related condition.
Cholestanol storage disease (CTX). Also called: CEREBRAL CHOLESTERINOSIS; Cerebrotendinous Xanthomatosis; CTX: Cerebrotendinous xanthomatosis. Identifiers: Orphanet 909, MedGen C0238052, MONDO:0008948, OMIM 213700.

Allele frequency attached by ClinVar (database versions not stated): ESP Exome Variant Server 0.00008; ExAC 0.00015; gnomAD 0.00015 and 0.00016; TOPMed 0.00020; gnomAD exomes 0.00024.
gnomAD v4.1: 210 of 1,614,110 alleles (0.013%); highest among the groups gnomAD compares: Admixed American, 0.0083%; 1 homozygote.

Submissions (6):

Labcorp Genetics (formerly Invitae), Labcorp
Classification: Benign for Cholestanol storage disease. Last evaluated: 2026-02-04. Review status: criteria provided, single submitter. Criteria: Invitae Variant Classification Sherloc (09022015). Collection method: clinical testing. Allele origin: germline.

Mayo Clinic Laboratories, Mayo Clinic
Classification: Likely benign. Last evaluated: 2025-06-23. Review status: criteria provided, single submitter. Criteria: ACMG Guidelines, 2015. Collection method: clinical testing. Allele origin: germline. Observed: 1 variant allele.
Comment: BS1, BP4, BP7

Blueprint Genetics
Classification: Likely benign. Last evaluated: 2023-10-25. Review status: criteria provided, single submitter. Criteria: ACMG Guidelines, 2015. Collection method: clinical testing. Allele origin: germline.

Illumina Laboratory Services, Illumina
Classification: Uncertain significance for Cholestanol storage disease. Last evaluated: 2018-01-13. Review status: criteria provided, single submitter. Criteria: ICSL Variant Classification Criteria 13 December 2019. Collection method: clinical testing. Allele origin: germline.

PreventionGenetics, part of Exact Sciences
Classification: Likely benign for CYP27A1-related condition. Last evaluated: 2021-03-09. Review status: no assertion criteria provided. Collection method: clinical testing. Allele origin: germline. Not counted in ClinVar's aggregate classification.
Comment: This variant is classified as likely benign based on ACMG/AMP sequence variant interpretation guidelines (Richards et al. 2015 PMID: 25741868, with internal and published modifications).

Natera, Inc.
Classification: Likely benign for Cerebrotendinous xanthomatosis. Last evaluated: 2020-06-04. Review status: no assertion criteria provided. Collection method: clinical testing. Allele origin: germline. Not counted in ClinVar's aggregate classification.

NM_000784.4(CYP27A1):c.1184+9G>T

Gene: CYP27A1 (cytochrome P450 family 27 subfamily A member 1; plus strand). Cytogenetic location: 2q35.
Variant type: single nucleotide variant.
Coding change: c.1184+9G>T on transcript NM_000784.4 (MANE Select); 9 bases into the intron after coding-DNA position 1184, G replaced by T.
Molecular consequence: intron variant.
Genome position (GRCh38, 1-based): chr2:218,814,196, G>T. VCF-style: chr2-218814196-G-T. GRCh37 (hg19) VCF-style: chr2-219678919-G-T.
Other names: p.?.
Identifiers: ClinVar variation 334374 (VCV000334374.20), dbSNP rs200457116, ClinGen allele CA2112814.
Genomic context (GRCh38, chr2:218,814,196, plus strand): 5'-AGGACTTTGCCCACATGCCGTTGCTCAAAGCTGTGCTTAAGGAGACTCTGCGGTAGGACA[G>T]AATGCTGTTCTGGGGGGCACAGGATCTCTTTGTGGGGAGGGAATCAGAGGAGGAAATCTG-3'